The following is an entry in ClinVar:

NM_001458.5(FLNC):c.5501A>C (p.His1834Pro)

Genes: FLNC (filamin C; plus strand), FLNC-AS1 (FLNC antisense RNA 1; minus strand). Cytogenetic location: 7q32.1.
Variant type: single nucleotide variant.
Coding change: c.5501A>C on transcript NM_001458.5 (MANE Select); coding-DNA position 5501, A replaced by C.
Protein change: p.His1834Pro; replaces histidine 1834 with proline.
Molecular consequence: missense variant.
Genome position (GRCh38, 1-based): chr7:128,850,905, A>C. VCF-style: chr7-128850905-A-C. GRCh37 (hg19) VCF-style: chr7-128490959-A-C.
Other names: c.5402A>C, p.His1801Pro (NM_001127487.2); short protein forms H1801P, H1834P.
Identifiers: ClinVar variation 3366939 (VCV003366939.3).
Genomic context (GRCh38, chr7:128,850,905, plus strand): 5'-TCACCGACAACAAGGACGGCACCATCACGGTGAGGTATGCACCCACTGAGAAAGGCCTGC[A>C]CCAGATGGGGATCAAGTATGACGGCAACCACATCCCTGGTGAGTTAGGGGCTGGGCTGGG-3'
Protein context (NP_001449.3, residues 1824-1844): VRYAPTEKGL[His1834Pro]QMGIKYDGNH

ClinVar aggregate classification (germline): Uncertain significance. Review status: criteria provided, multiple submitters, no conflicts (2 of 4 stars). 2 submissions from 2 submitters: Uncertain significance (2). Last evaluated 2024-09-18.

Conditions:
Myofibrillar myopathy 5. Also called: Filaminopathy (type); FILAMINOPATHY, AUTOSOMAL DOMINANT. Identifiers: Orphanet 171445, MedGen C1836050, MONDO:0012289, OMIM 609524.
Distal myopathy with posterior leg and anterior hand involvement. Also called: WILLIAMS DISTAL MYOPATHY. Identifiers: Orphanet 63273, MedGen C3279722, MONDO:0013550, OMIM 614065.
Hypertrophic cardiomyopathy 26. Also called: Cardiomyopathy, familial hypertrophic, 26. Identifiers: Orphanet 75249, MedGen C4310749, MONDO:0014883, OMIM 617047.

Submissions (2):

Institute of Immunology and Genetics Kaiserslautern
Classification: Uncertain significance for Hypertrophic cardiomyopathy 26. Last evaluated: 2024-09-18. Review status: criteria provided, single submitter. Criteria: ACMG Guidelines, 2015. Collection method: clinical testing. Allele origin: germline. Affected: yes.
Comment: ACMG Criteria: PM1, PM2_P, PP3; Variant was found in heterozygous state.

Labcorp Genetics (formerly Invitae), Labcorp
Classification: Uncertain significance for Distal myopathy with posterior leg and anterior hand involvement; Myofibrillar myopathy 5; Hypertrophic cardiomyopathy 26. Last evaluated: 2024-03-24. Review status: criteria provided, single submitter. Criteria: Invitae Variant Classification Sherloc (09022015). Collection method: clinical testing. Allele origin: germline.
Comment: This sequence change replaces histidine, which is basic and polar, with proline, which is neutral and non-polar, at codon 1834 of the FLNC protein (p.His1834Pro). This variant is not present in population databases (gnomAD no frequency). This variant has not been reported in the literature in individuals affected with FLNC-related conditions. Advanced modeling of protein sequence and biophysical properties (such as structural, functional, and spatial information, amino acid conservation, physicochemical variation, residue mobility, and thermodynamic stability) has been performed at Invitae for this missense variant, however the output from this modeling did not meet the statistical confidence thresholds required to predict the impact of this variant on FLNC protein function. In summary, the available evidence is currently insufficient to determine the role of this variant in disease. Therefore, it has been classified as a Variant of Uncertain Significance.